The following is an entry in ClinVar:

NM_001130438.3(SPTAN1):c.4226G>A (p.Gly1409Glu)

Gene: SPTAN1 (spectrin alpha, non-erythrocytic 1; plus strand). Cytogenetic location: 9q34.11.
Variant type: single nucleotide variant.
Coding change: c.4226G>A on transcript NM_001130438.3 (MANE Select); coding-DNA position 4226, G replaced by A.
Protein change: p.Gly1409Glu; replaces glycine 1409 with glutamic acid.
Molecular consequence: missense variant.
Genome position (GRCh38, 1-based): chr9:128,607,931, G>A. VCF-style: chr9-128607931-G-A. GRCh37 (hg19) VCF-style: chr9-131370210-G-A.
Other names: c.4166G>A, p.Gly1389Glu (NM_001195532.2, NM_001363765.2, NM_001375314.2); c.4226G>A, p.Gly1409Glu (NM_001363759.2, NM_001375310.1, NM_001375311.2 and 2 more transcripts); c.4262G>A, p.Gly1421Glu (NM_001375312.2, NM_001375318.1); short protein forms G1409E, G1389E, G1421E.
Identifiers: ClinVar variation 2906201 (VCV002906201.3), dbSNP rs1225574331, ClinGen allele CA375066508.

ClinVar aggregate classification (germline): Uncertain significance (1 of 4 stars; one submission).

Conditions:
Early-infantile DEE. Also called: Early infantile epileptic encephalopathy; Ohtahara syndrome; Early infantile epileptic encephalopathy with suppression bursts. Identifiers: Orphanet 1934, MedGen C0393706, MONDO:0800491.

Allele frequency attached by ClinVar (database versions not stated): gnomAD exomes below 0.00001; TOPMed below 0.00001; gnomAD 0.00002.
gnomAD v4.1: 4 of 1,613,946 alleles (0.00025%); highest among the groups gnomAD compares: Admixed American, 0.005%; no homozygotes.

Submission:

Labcorp Genetics (formerly Invitae), Labcorp
Classification: Uncertain significance for Early-infantile DEE. Last evaluated: 2023-04-09. Review status: criteria provided, single submitter. Criteria: Invitae Variant Classification Sherloc (09022015). Collection method: clinical testing. Allele origin: germline.
Comment: In summary, the available evidence is currently insufficient to determine the role of this variant in disease. Therefore, it has been classified as a Variant of Uncertain Significance. Advanced modeling of protein sequence and biophysical properties (such as structural, functional, and spatial information, amino acid conservation, physicochemical variation, residue mobility, and thermodynamic stability) has been performed at Invitae for this missense variant, however the output from this modeling did not meet the statistical confidence thresholds required to predict the impact of this variant on SPTAN1 protein function. This variant has not been reported in the literature in individuals affected with SPTAN1-related conditions. This variant is not present in population databases (gnomAD no frequency). This sequence change replaces glycine, which is neutral and non-polar, with glutamic acid, which is acidic and polar, at codon 1409 of the SPTAN1 protein (p.Gly1409Glu).